The following is an entry in ClinVar:

NM_001267550.2(TTN):c.70343C>A (p.Thr23448Lys)

Genes: TTN (titin; minus strand), TTN-AS1 (TTN antisense RNA 1; plus strand), LOC126806422 (BRD4-independent group 4 enhancer GRCh37_chr2:179440205-179441404; plus strand). Cytogenetic location: 2q31.2.
Variant type: single nucleotide variant.
Coding change: c.70343C>A on transcript NM_001267550.2 (MANE Select); coding-DNA position 70343, C replaced by A.
Protein change: p.Thr23448Lys; replaces threonine 23448 with lysine.
Molecular consequence: missense variant.
Genome position (GRCh38, 1-based): chr2:178,575,789, G>T on the plus strand (C>A on the coding strand, the complement: TTN is on the minus strand). VCF-style: chr2-178575789-G-T. GRCh37 (hg19) VCF-style: chr2-179440516-G-T.
Other names: c.65420C>A, p.Thr21807Lys (NM_001256850.1); c.43148C>A, p.Thr14383Lys (NM_003319.4); c.62639C>A, p.Thr20880Lys (NM_133378.4); c.43523C>A, p.Thr14508Lys (NM_133432.3); c.43724C>A, p.Thr14575Lys (NM_133437.4); short protein forms T14383K, T14508K, T14575K, T20880K, T21807K, T23448K.
Identifiers: ClinVar variation 2682554 (VCV002682554.1), dbSNP rs2468696967, ClinGen allele CA349663308.

ClinVar aggregate classification (germline): Uncertain significance (1 of 4 stars; one submission).

Submission:

Women's Health and Genetics/Laboratory Corporation of America, LabCorp
Classification: Uncertain significance. Last evaluated: 2023-11-15. Review status: criteria provided, single submitter. Criteria: LabCorp Variant Classification Summary - May 2015. Collection method: clinical testing. Allele origin: germline.
Comment: Variant summary: TTN c.62639C>A (p.Thr20880Lys) results in a non-conservative amino acid change located in the A-band domain of the encoded protein sequence. Three of four in-silico tools predict a damaging effect of the variant on protein function. The variant was absent in 248564 control chromosomes (gnomAD). The available data on variant occurrences in the general population are insufficient to allow any conclusion about variant significance. To our knowledge, no occurrence of c.62639C>A in individuals affected with Limb-Girdle Muscular Dystrophy, Type 2J and no experimental evidence demonstrating its impact on protein function have been reported. No submitters have cited clinical-significance assessments for this variant to ClinVar after 2014. Based on the evidence outlined above, the variant was classified as uncertain significance.